The following is an entry in ClinVar:

ClinVar aggregate classification (germline): Uncertain significance (1 of 4 stars; one submission).

Submission:

Labcorp Genetics (formerly Invitae), Labcorp
Classification: Uncertain significance. Last evaluated: 2025-12-20. Review status: criteria provided, single submitter. Criteria: Invitae Variant Classification Sherloc (09022015). Collection method: clinical testing. Allele origin: germline.
Comment: This sequence change replaces cysteine, which is neutral and slightly polar, with arginine, which is basic and polar, at codon 866 of the CYLD protein (p.Cys866Arg). This variant is not present in population databases (gnomAD no frequency). This variant has not been reported in the literature in individuals affected with CYLD-related conditions. Invitae Evidence Modeling of protein sequence and biophysical properties (such as structural, functional, and spatial information, amino acid conservation, physicochemical variation, residue mobility, and thermodynamic stability) indicates that this missense variant is expected to disrupt CYLD protein function with a positive predictive value of 80%. In summary, the available evidence is currently insufficient to determine the role of this variant in disease. Therefore, it has been classified as a Variant of Uncertain Significance.

NM_001378743.1(CYLD):c.2596T>C (p.Cys866Arg)

Genes: CYLD (CYLD lysine 63 deubiquitinase; plus strand), CYLD-AS2 (CYLD antisense RNA 2; minus strand). Cytogenetic location: 16q12.1.
Variant type: single nucleotide variant.
Coding change: c.2596T>C on transcript NM_001378743.1 (MANE Select); coding-DNA position 2596, T replaced by C.
Protein change: p.Cys866Arg; replaces cysteine 866 with arginine.
Molecular consequence: missense variant. On other transcripts: non-coding transcript variant (1).
Genome position (GRCh38, 1-based): chr16:50,794,338, T>C. VCF-style: chr16-50794338-T-C. GRCh37 (hg19) VCF-style: chr16-50828249-T-C.
Other names: c.2587T>C, p.Cys863Arg (NM_001042355.2, NM_001042412.3, NM_001378744.1 and 6 more transcripts); c.2557T>C, p.Cys853Arg (NM_001378751.1, NM_001378752.1, NM_001378753.1); c.1921T>C, p.Cys641Arg (NM_001378754.1, NM_001378755.1); c.2596T>C, p.Cys866Arg (NM_015247.3); short protein forms C641R, C863R, C866R, C853R.
Identifiers: ClinVar variation 4742309 (VCV004742309.1).
Genomic context (GRCh38, chr16:50,794,338, plus strand): 5'-GACTGGGACTGGAGACACGGCTGCATCCCTTGCCAGAATATGGAGTTATTTGCTGTTCTC[T>C]GCATAGAAACAAGCCACTATGTTGCTTTTGTGAAGTATGGGAAGGACGATTCTGCCTGGC-3'
Protein context (NP_001365672.1, residues 856-876): CQNMELFAVL[Cys866Arg]IETSHYVAFV